The following is an entry in ClinVar:

NM_002875.5(RAD51):c.269C>G (p.Thr90Ser)

Gene: RAD51 (RAD51 recombinase; plus strand). Cytogenetic location: 15q15.1.
Variant type: single nucleotide variant.
Coding change: c.269C>G on transcript NM_002875.5 (MANE Select); coding-DNA position 269, C replaced by G.
Protein change: p.Thr90Ser; replaces threonine 90 with serine.
Molecular consequence: missense variant. On other transcripts: intron variant (2).
Genome position (GRCh38, 1-based): chr15:40,706,220, C>G. VCF-style: chr15-40706220-C-G. GRCh37 (hg19) VCF-style: chr15-40998418-C-G.
Other names: c.269C>G (NM_002875.4); c.269C>G, p.Thr90Ser (NM_001164270.2); c.347-2805C>G (NM_133487.4, NM_001164269.2); short protein forms T90S.
Identifiers: ClinVar variation 2103827 (VCV002103827.6), dbSNP rs2504436505, ClinGen allele CA391749592.

ClinVar aggregate classification (germline): Uncertain significance. Review status: criteria provided, multiple submitters, no conflicts (2 of 4 stars). 2 submissions from 2 submitters: Uncertain significance (2). Last evaluated 2023-09-10.

Conditions:
Inborn genetic diseases. Identifiers: MedGen C0950123, MeSH D030342.

Allele frequency attached by ClinVar (database versions not stated): gnomAD exomes below 0.00001.
gnomAD v4.1: 1 of 1,614,168 alleles (0.000062%); highest among the groups gnomAD compares: Non-Finnish European, 0.000085%; no homozygotes.

Submissions (2):

Ambry Genetics
Classification: Uncertain significance for Inborn genetic diseases. Last evaluated: 2023-09-10. Review status: criteria provided, single submitter. Criteria: Ambry Variant Classification Scheme 2023. Collection method: clinical testing. Allele origin: germline.
Comment: The p.T90S variant (also known as c.269C>G), located in coding exon 3 of the RAD51 gene, results from a C to G substitution at nucleotide position 269. The threonine at codon 90 is replaced by serine, an amino acid with similar properties. This amino acid position is conserved. In addition, this alteration is predicted to be tolerated by in silico analysis. Since supporting evidence is limited at this time, the clinical significance of this alteration remains unclear.

Labcorp Genetics (formerly Invitae), Labcorp
Classification: Uncertain significance. Last evaluated: 2022-09-06. Review status: criteria provided, single submitter. Criteria: Invitae Variant Classification Sherloc (09022015). Collection method: clinical testing. Allele origin: germline.
Comment: This sequence change replaces threonine, which is neutral and polar, with serine, which is neutral and polar, at codon 90 of the RAD51 protein (p.Thr90Ser). This variant is not present in population databases (gnomAD no frequency). This variant has not been reported in the literature in individuals affected with RAD51-related conditions. Algorithms developed to predict the effect of missense changes on protein structure and function (SIFT, PolyPhen-2, Align-GVGD) all suggest that this variant is likely to be tolerated. In summary, the available evidence is currently insufficient to determine the role of this variant in disease. Therefore, it has been classified as a Variant of Uncertain Significance.